The following is an entry in ClinVar:

ClinVar aggregate classification (germline): Uncertain significance (1 of 4 stars; one submission).

Submission:

Ambry Genetics
Classification: Uncertain significance. Last evaluated: 2026-03-26. Review status: criteria provided, single submitter. Criteria: Ambry Variant Classification Scheme 2023. Collection method: clinical testing. Allele origin: germline.
Comment: The p.N838S variant (also known as c.2513A>G), located in coding exon 13 of the GEN1 gene, results from an A to G substitution at nucleotide position 2513. The asparagine at codon 838 is replaced by serine, an amino acid with highly similar properties. This amino acid position is conserved. In addition, this alteration is predicted to be tolerated by in silico analysis. Based on the available evidence, the clinical significance of this variant remains unclear.

NM_001130009.3(GEN1):c.2513A>G (p.Asn838Ser)

Gene: GEN1 (GEN1 structure-specific endonuclease; plus strand). Cytogenetic location: 2p24.2.
Variant type: single nucleotide variant.
Coding change: c.2513A>G on transcript NM_001130009.3 (MANE Select); coding-DNA position 2513, A replaced by G.
Protein change: p.Asn838Ser; replaces asparagine 838 with serine.
Molecular consequence: missense variant.
Genome position (GRCh38, 1-based): chr2:17,781,725, A>G. VCF-style: chr2-17781725-A-G. GRCh37 (hg19) VCF-style: chr2-17962992-A-G.
Other names: c.2513A>G, p.Asn838Ser (NM_182625.5); short protein forms N838S.
Identifiers: ClinVar variation 4857947 (VCV004857947.1).